The following is an entry in ClinVar:

NM_198271.5(LMOD3):c.1655C>A (p.Pro552His)

Gene: LMOD3 (leiomodin 3; minus strand). Cytogenetic location: 3p14.1.
Variant type: single nucleotide variant.
Coding change: c.1655C>A on transcript NM_198271.5 (MANE Select); coding-DNA position 1655, C replaced by A.
Protein change: p.Pro552His; replaces proline 552 with histidine.
Molecular consequence: missense variant.
Genome position (GRCh38, 1-based): chr3:69,118,700, G>T on the plus strand (C>A on the coding strand, the complement: LMOD3 is on the minus strand). VCF-style: chr3-69118700-G-T. GRCh37 (hg19) VCF-style: chr3-69167851-G-T.
Other names: p.Pro552His; c.1655C>A, p.Pro552His (NM_001304418.3); short protein forms P552H.
Identifiers: ClinVar variation 475310 (VCV000475310.41), dbSNP rs145387235, ClinGen allele CA2488710.
Genomic context (GRCh38, chr3:69,118,700, plus strand): 5'-GTTGGGATGCATTTACTATGGAGGGTGCTCAGTCACCATTTCTCCCTCCTTCTACTTACA[G>T]GTTTAAGATAGGCGACACTGCTGTGACGAATGTCGTTTAGCAGCTGATCTCTGGGAGTGA-3'
Protein context (NP_938012.2, residues 542-560): IRHSSVAYLK[Pro552His]VQLPKELA

ClinVar aggregate classification (germline): Benign. Review status: criteria provided, multiple submitters, no conflicts (2 of 4 stars). 6 submissions from 6 submitters: Benign (6). Last evaluated 2026-09-01.

Conditions:
Nemaline myopathy 10 (NEM10). Identifiers: MedGen C4015360, MONDO:0014513, OMIM 616165.

Allele frequency attached by ClinVar (database versions not stated): 1000 Genomes Project 0.00739; 1000 Genomes Project 30x 0.00781; gnomAD exomes 0.01243 and 0.01748; gnomAD 0.01294 and 0.01335; ESP Exome Variant Server 0.01295; TOPMed 0.01311; ExAC 0.01347.
gnomAD v4.1: 27,378 of 1,610,364 alleles (1.7%); highest among the groups gnomAD compares: Non-Finnish European, 2%; 285 homozygotes.

Submissions (6):

CeGaT Center for Human Genetics Tuebingen
Classification: Benign. Last evaluated: 2026-09-01. Review status: criteria provided, single submitter. Criteria: CeGaT Center For Human Genetics Tuebingen Variant Classification Criteria Version 2. Collection method: clinical testing. Allele origin: germline. Affected: yes. Observed: 35 variant alleles.
Comment: LMOD3: BS1, BS2

Labcorp Genetics (formerly Invitae), Labcorp
Classification: Benign for Nemaline myopathy 10. Last evaluated: 2026-02-03. Review status: criteria provided, single submitter. Criteria: Invitae Variant Classification Sherloc (09022015). Collection method: clinical testing. Allele origin: germline.

Molecular Genetics, Royal Melbourne Hospital
Classification: Benign for Nemaline myopathy 10. Last evaluated: 2023-05-04. Review status: criteria provided, single submitter. Criteria: ACMG Guidelines, 2015. Collection method: clinical testing. Allele origin: germline. Affected: yes.
Comment: European Non-Finnish population allele frequency is 1.729% (rs145387235, 2288/126934 alleles, 23 homozygotes in gnomAD v2.1). Based on the classification scheme RMH Modified ACMG/AMP Guidelines v1.2.1, this variant is classified as BENIGN. Following criteria are met: BA1

Mayo Clinic Laboratories, Mayo Clinic
Classification: Benign. Last evaluated: 2023-02-28. Review status: criteria provided, single submitter. Criteria: ACMG Guidelines, 2015. Collection method: clinical testing. Allele origin: germline. Observed: 15 variant alleles.
Comment: BS1, BS2, BP4

GeneDx
Classification: Benign. Last evaluated: 2019-09-06. Review status: criteria provided, single submitter. Criteria: GeneDx Variant Classification Process June 2021. Collection method: clinical testing. Allele origin: germline. Affected: yes.
Comment: This variant is associated with the following publications: (PMID: 29923248)

Breakthrough Genomics
Classification: Benign. Review status: criteria provided, single submitter. Criteria: ACMG Guidelines, 2015. Collection method: not provided. Allele origin: germline. Inheritance: Autosomal recessive inheritance. Affected: yes.

Literature cited by the submitters: PubMed 29923248 (cited by Mayo Clinic Laboratories, Mayo Clinic); PubMed 35299092 (cited by Mayo Clinic Laboratories, Mayo Clinic).